The following is an entry in ClinVar:

ClinVar aggregate classification (germline): Uncertain significance (1 of 4 stars; one submission).

Allele frequency attached by ClinVar (database versions not stated): gnomAD exomes below 0.00001 and 0.00001.

Submission:

Labcorp Genetics (formerly Invitae), Labcorp
Classification: Uncertain significance. Last evaluated: 2025-08-21. Review status: criteria provided, single submitter. Criteria: Invitae Variant Classification Sherloc (09022015). Collection method: clinical testing. Allele origin: germline.
Comment: This sequence change replaces arginine, which is basic and polar, with isoleucine, which is neutral and non-polar, at codon 281 of the NEK2 protein (p.Arg281Ile). This variant is present in population databases (no rsID available, gnomAD 0.007%). This variant has not been reported in the literature in individuals affected with NEK2-related conditions. ClinVar contains an entry for this variant (Variation ID: 1464886). An algorithm developed to predict the effect of missense changes on protein structure and function (PolyPhen-2) suggests that this variant is likely to be tolerated. In summary, the available evidence is currently insufficient to determine the role of this variant in disease. Therefore, it has been classified as a Variant of Uncertain Significance.

NM_002497.4(NEK2):c.842G>T (p.Arg281Ile)

Gene: NEK2 (NIMA related kinase 2; minus strand). Cytogenetic location: 1q32.3.
Variant type: single nucleotide variant.
Coding change: c.842G>T on transcript NM_002497.4 (MANE Select); coding-DNA position 842, G replaced by T.
Protein change: p.Arg281Ile; replaces arginine 281 with isoleucine.
Molecular consequence: missense variant.
Genome position (GRCh38, 1-based): chr1:211,669,256, C>A on the plus strand (G>T on the coding strand, the complement: NEK2 is on the minus strand). VCF-style: chr1-211669256-C-A. GRCh37 (hg19) VCF-style: chr1-211842598-C-A.
Other names: c.842G>T, p.Arg281Ile (NM_001204182.2, NM_001204183.2); short protein forms R281I.
Identifiers: ClinVar variation 1464886 (VCV001464886.6), dbSNP rs1319198009, ClinGen allele CA344778960.
Genomic context (GRCh38, chr1:211,669,256, plus strand): 5'-GGGCTGGAATCCTGCGATTTTTCTGGCTCTCCTAATTGTCGCCCTCTTCTCTCAAGATTT[C>A]TTCTTTGCTCGTCTGCAACCAAATCTGCTATTAAAGGGTTCTCAAGAATTTCTTCAACAG-3'
Protein context (NP_002488.1, residues 271-291): IADLVADEQR[Arg281Ile]NLERRGRQLG